The following is an entry in ClinVar:

ClinVar aggregate classification (germline): Uncertain significance. Review status: criteria provided, multiple submitters, no conflicts (2 of 4 stars). 5 submissions from 5 submitters: Uncertain significance (4). 1 of the submissions does not count toward it. Last evaluated 2026-01-07.

Conditions:
Hereditary cancer-predisposing syndrome. Also called: Neoplastic Syndromes, Hereditary; Tumor predisposition; Hereditary neoplastic syndrome; Hereditary Cancer Syndrome. Identifiers: Orphanet 140162, MedGen C0027672, MeSH D009386, MONDO:0015356.
Bloom syndrome (BLM). Also called: Bloom-Torre-Machacek syndrome. Identifiers: Orphanet 125, MedGen C0005859, MONDO:0008876, OMIM 210900.

Allele frequency attached by ClinVar (database versions not stated): gnomAD exomes below 0.00001 and 0.00001; ExAC 0.00001; TOPMed 0.00001.
gnomAD v4.1: 4 of 1,613,944 alleles (0.00025%); highest among the groups gnomAD compares: Admixed American, 0.0017%; no homozygotes.

Submissions (5):

Labcorp Genetics (formerly Invitae), Labcorp
Classification: Uncertain significance for Bloom syndrome. Last evaluated: 2026-01-07. Review status: criteria provided, single submitter. Criteria: Invitae Variant Classification Sherloc (09022015). Collection method: clinical testing. Allele origin: germline.
Comment: This sequence change replaces histidine, which is basic and polar, with tyrosine, which is neutral and polar, at codon 1140 of the BLM protein (p.His1140Tyr). This variant is present in population databases (rs746602812, gnomAD 0.003%). This variant has not been reported in the literature in individuals affected with BLM-related conditions. ClinVar contains an entry for this variant (Variation ID: 317409). Invitae Evidence Modeling of protein sequence and biophysical properties (such as structural, functional, and spatial information, amino acid conservation, physicochemical variation, residue mobility, and thermodynamic stability) has been performed for this missense variant. However, the output from this modeling did not meet the statistical confidence thresholds required to predict the impact of this variant on BLM protein function. In summary, the available evidence is currently insufficient to determine the role of this variant in disease. Therefore, it has been classified as a Variant of Uncertain Significance.

Ambry Genetics
Classification: Uncertain significance for Hereditary cancer-predisposing syndrome. Last evaluated: 2024-10-25. Review status: criteria provided, single submitter. Criteria: Ambry Variant Classification Scheme 2023. Collection method: clinical testing. Allele origin: germline.
Comment: The p.H1140Y variant (also known as c.3418C>T), located in coding exon 17 of the BLM gene, results from a C to T substitution at nucleotide position 3418. The histidine at codon 1140 is replaced by tyrosine, an amino acid with similar properties. This amino acid position is highly conserved in available vertebrate species. In addition, the in silico prediction for this alteration is inconclusive. Since supporting evidence is limited at this time, the clinical significance of this alteration remains unclear.

GeneDx
Classification: Uncertain significance. Last evaluated: 2023-04-24. Review status: criteria provided, single submitter. Criteria: GeneDx Variant Classification Process June 2021. Collection method: clinical testing. Allele origin: germline. Affected: yes.
Comment: Not observed at significant frequency in large population cohorts (gnomAD); In silico analysis supports that this missense variant has a deleterious effect on protein structure/function; Has not been previously published as pathogenic or benign to our knowledge

Illumina Laboratory Services, Illumina
Classification: Uncertain significance for Bloom syndrome. Last evaluated: 2018-01-12. Review status: criteria provided, single submitter. Criteria: ICSL Variant Classification Criteria 13 December 2019. Collection method: clinical testing. Allele origin: germline.

Natera, Inc.
Classification: Uncertain significance for Bloom syndrome. Last evaluated: 2018-07-23. Review status: no assertion criteria provided. Collection method: clinical testing. Allele origin: germline. Not counted in ClinVar's aggregate classification.

NM_000057.4(BLM):c.3418C>T (p.His1140Tyr)

Gene: BLM (BLM RecQ like helicase; plus strand). Cytogenetic location: 15q26.1.
Variant type: single nucleotide variant.
Coding change: c.3418C>T on transcript NM_000057.4 (MANE Select); coding-DNA position 3418, C replaced by T.
Protein change: p.His1140Tyr; replaces histidine 1140 with tyrosine.
Molecular consequence: missense variant. On other transcripts: intron variant (1).
Genome position (GRCh38, 1-based): chr15:90,803,580, C>T. VCF-style: chr15-90803580-C-T. GRCh37 (hg19) VCF-style: chr15-91346810-C-T.
Other names: c.3418C>T (LRG_20t1); c.3418C>T, p.His1140Tyr (NM_001287246.2); c.2293C>T, p.His765Tyr (NM_001287248.2); c.3358+5243C>T (NM_001287247.2); short protein forms H1140Y, H765Y.
Identifiers: ClinVar variation 317409 (VCV000317409.25), dbSNP rs746602812, ClinGen allele CA7739031.